The following is an entry in ClinVar:

ClinVar aggregate classification (germline): Uncertain significance (1 of 4 stars; one submission).

Conditions:
Pyridoxine-dependent epilepsy (EPEO4). Also called: Pyridoxine-Dependent Epilepsy - ALDH7A1; EPILEPSY, EARLY-ONSET, 4, VITAMIN B6-DEPENDENT; PYRIDOXINE DEPENDENCY WITH SEIZURES; Pyridoxine-Dependent Seizures. Identifiers: Orphanet 3006, MedGen C1849508, MONDO:0009945, OMIM 266100. Disease mechanism: loss of function.

Allele frequency attached by ClinVar (database versions not stated): TOPMed 0.00001; gnomAD exomes below 0.00001.

Submission:

Labcorp Genetics (formerly Invitae), Labcorp
Classification: Uncertain significance for Pyridoxine-dependent epilepsy. Last evaluated: 2020-01-27. Review status: criteria provided, single submitter. Criteria: Invitae Variant Classification Sherloc (09022015). Collection method: clinical testing. Allele origin: germline.
Comment: In summary, the available evidence is currently insufficient to determine the role of this variant in disease. Therefore, it has been classified as a Variant of Uncertain Significance. Algorithms developed to predict the effect of missense changes on protein structure and function are either unavailable or do not agree on the potential impact of this missense change (SIFT: "Tolerated"; PolyPhen-2: "Possibly Damaging"; Align-GVGD: "Class C0"). This variant has not been reported in the literature in individuals with ALDH7A1-related conditions. This variant is not present in population databases (ExAC no frequency). This sequence change replaces valine with leucine at codon 278 of the ALDH7A1 protein (p.Val278Leu). The valine residue is moderately conserved and there is a small physicochemical difference between valine and leucine.

NM_001182.5(ALDH7A1):c.832G>T (p.Val278Leu)

Gene: ALDH7A1 (aldehyde dehydrogenase 7 family member A1; minus strand). Cytogenetic location: 5q23.2.
Variant type: single nucleotide variant.
Coding change: c.832G>T on transcript NM_001182.5 (MANE Select); coding-DNA position 832, G replaced by T.
Protein change: p.Val278Leu; replaces valine 278 with leucine.
Molecular consequence: missense variant.
Genome position (GRCh38, 1-based): chr5:126,568,298, C>A on the plus strand (G>T on the coding strand, the complement: ALDH7A1 is on the minus strand). VCF-style: chr5-126568298-C-A. GRCh37 (hg19) VCF-style: chr5-125903990-C-A.
Other names: c.748G>T, p.Val250Leu (NM_001201377.2); c.832G>T, p.Val278Leu (NM_001202404.2); short protein forms V250L, V278L.
Identifiers: ClinVar variation 864578 (VCV000864578.10), dbSNP rs796262086, ClinGen allele CA126901914.